The following is an entry in ClinVar:

ClinVar aggregate classification (germline): Conflicting classifications of pathogenicity. Review status: criteria provided, conflicting classifications (1 of 4 stars). 5 submissions from 5 submitters: Uncertain significance (2); Likely benign (3). Last evaluated 2025-06-18.

Conditions:
TTN-related disorder. Also called: TTN-related disorders; TTN-related condition; TTN-related disease.

Allele frequency attached by ClinVar (database versions not stated): gnomAD exomes 0.00001 and 0.00005; ExAC 0.00007; gnomAD 0.00023 and 0.00027; TOPMed 0.00023.
gnomAD v4.1: 54 of 1,603,518 alleles (0.0034%); highest among the groups gnomAD compares: African/African-American, 0.072%; no homozygotes.

Submissions (5):

PreventionGenetics, part of Exact Sciences
Classification: Likely benign for TTN-related condition. Last evaluated: 2025-06-18. Review status: criteria provided, single submitter. Criteria: ACMG Guidelines, 2015. Collection method: clinical testing. Allele origin: germline.
Comment: This variant is classified as likely benign based on ACMG/AMP sequence variant interpretation guidelines (Richards et al. 2015 PMID: 25741868, with internal and published modifications).

Blueprint Genetics
Classification: Likely benign. Last evaluated: 2022-08-03. Review status: criteria provided, single submitter. Criteria: ACMG Guidelines, 2015. Collection method: clinical testing. Allele origin: germline.

GeneDx
Classification: Likely benign. Last evaluated: 2020-10-09. Review status: criteria provided, single submitter. Criteria: GeneDx Variant Classification Process June 2021. Collection method: clinical testing. Allele origin: germline. Affected: yes.

Eurofins Ntd Llc (ga)
Classification: Uncertain significance. Last evaluated: 2018-06-20. Review status: criteria provided, single submitter. Criteria: EGL ClinVar v180209 classification definitions. Collection method: clinical testing. Allele origin: germline. Observed: 1 variant allele, 1 heterozygote.

Laboratory for Molecular Medicine, Mass General Brigham Personalized Medicine
Classification: Uncertain significance. Last evaluated: 2015-12-23. Review status: criteria provided, single submitter. Criteria: LMM Criteria. Collection method: clinical testing. Allele origin: germline. Observed: 1 variant allele.
Comment: The c.29440+4G>A variant in TTN has not been previously reported in individuals with cardiomyopathy, but has been identified in 0.1% (9/9784) African chromosome s by the Exome Aggregation Consortium (ExAC). Th is variant is located in the 5' splice region. Computational tools do not sugges t an impact to splicing. However, this information is not predictive enough to r ule out pathogenicity. In summary, the clinical significance of the c.29440+4G>A variant is uncertain.

NM_001267550.2(TTN):c.33172+4G>A

Gene: TTN (titin; minus strand). Cytogenetic location: 2q31.2.
Variant type: single nucleotide variant.
Coding change: c.33172+4G>A on transcript NM_001267550.2 (MANE Select); 4 bases into the intron after coding-DNA position 33172, G replaced by A.
Molecular consequence: intron variant.
Genome position (GRCh38, 1-based): chr2:178,681,657, C>T on the plus strand (G>A on the coding strand, the complement: TTN is on the minus strand). VCF-style: chr2-178681657-C-T. GRCh37 (hg19) VCF-style: chr2-179546384-C-T.
Other names: c.13283-39340G>A (NM_003319.4); c.13859-39340G>A (NM_133437.4); c.13658-39340G>A (NM_133432.3); c.29440+4G>A (NM_133378.4); c.32221+4G>A (NM_001256850.1).
Identifiers: ClinVar variation 229419 (VCV000229419.14), dbSNP rs756475184, ClinGen allele CA1998438.